The following is an entry in ClinVar:

ClinVar aggregate classification (germline): Uncertain significance (1 of 4 stars; one submission).

Conditions:
Hereditary breast ovarian cancer syndrome. Also called: Hereditary breast and/or ovarian cancer syndrome; BRCA1- and BRCA2-Associated Hereditary Breast and Ovarian Cancer; Hereditary breast and ovarian cancer syndrome; Hereditary breast and ovarian cancer; Hereditary breast and ovarian cancer syndrome (HBOC); Breast and ovarian cancer. Identifiers: Orphanet 145, MedGen C0677776, MeSH D061325, MONDO:0003582. Disease mechanism: loss of function.

Submissions (2):

Labcorp Genetics (formerly Invitae), Labcorp
Classification: Uncertain significance for Hereditary breast ovarian cancer syndrome. Last evaluated: 2021-02-16. Review status: criteria provided, single submitter. Criteria: Invitae Variant Classification Sherloc (09022015). Collection method: clinical testing. Allele origin: germline.
Comment: In summary, the available evidence is currently insufficient to determine the role of this variant in disease. Therefore, it has been classified as a Variant of Uncertain Significance. Experimental studies have shown that this variant does not substantially affect BRCA1 protein function (PMID: 30209399). This variant has not been reported in the literature in individuals with BRCA1-related conditions. ClinVar contains an entry for this variant (Variation ID: 865150). This variant is not present in population databases (ExAC no frequency). This sequence change replaces lysine with glutamic acid at codon 45 of the BRCA1 protein (p.Lys45Glu). The lysine residue is moderately conserved and there is a small physicochemical difference between lysine and glutamic acid.

Brotman Baty Institute, University of Washington
No classification provided (evidence only). Condition: Breast-ovarian cancer, familial 1. Review status: no classification provided. Collection method: in vitro. Allele origin: not applicable. Functional consequence: functionally_normal. Not counted in ClinVar's aggregate classification.
ClinVar note: "not provided" was previously submitted as the classification for the variant. However, the classification appeared to be based only on an observation of functional data so it was converted to no classification on 2025-07-30.

Literature cited by the submitters: PubMed 30209399 (cited by Labcorp Genetics (formerly Invitae), Labcorp).

NM_007294.4(BRCA1):c.133A>G (p.Lys45Glu)

Gene: BRCA1 (BRCA1 DNA repair associated; minus strand). Cytogenetic location: 17q21.31.
Variant type: single nucleotide variant.
Coding change: c.133A>G on transcript NM_007294.4 (MANE Select); coding-DNA position 133, A replaced by G.
Protein change: p.Lys45Glu; replaces lysine 45 with glutamic acid.
Molecular consequence: missense variant. On other transcripts: non-coding transcript variant (1), intron variant (1).
Genome position (GRCh38, 1-based): chr17:43,115,727, T>C on the plus strand (A>G on the coding strand, the complement: BRCA1 is on the minus strand). VCF-style: chr17-43115727-T-C. GRCh37 (hg19) VCF-style: chr17-41267744-T-C.
Other names: c.133A>G, p.Lys45Glu (NM_001407647.1, NM_001407648.1, NM_001407649.1 and 192 more transcripts); c.-125A>G (NM_001407694.1, NM_001407696.1, NM_001407724.1 and 13 more transcripts); c.-129A>G (NM_001407695.1, NM_001408465.1); c.-9A>G (NM_001407697.1, NM_001407725.1, NM_001407728.1 and 47 more transcripts); c.-56A>G (NM_001407853.1, NM_001407879.1, NM_001407882.1 and 52 more transcripts); c.-172A>G (NM_001407889.1, NM_001407900.1, NM_001408492.1); c.-171A>G (NM_001407960.1, NM_001407962.1, NM_001408510.1 and 1 more transcripts); c.-287A>G (NM_001407965.1); and 1 more; short protein forms K45E.
Identifiers: ClinVar variation 865150 (VCV000865150.11), dbSNP rs769650474, ClinGen allele CA10601894.